The following is an entry in ClinVar:

ClinVar aggregate classification (germline): Pathogenic (1 of 4 stars; one submission).

Submission:

GeneDx
Classification: Pathogenic. Last evaluated: 2023-09-05. Review status: criteria provided, single submitter. Criteria: GeneDx Variant Classification Process June 2021. Collection method: clinical testing. Allele origin: germline. Affected: yes.
Comment: Nonsense variant predicted to result in protein truncation or nonsense mediated decay in a gene for which loss of function is a known mechanism of disease; Not observed at significant frequency in large population cohorts (gnomAD); This variant is associated with the following publications: (PMID: 29637745, 25388907)

NM_004380.3(CREBBP):c.472C>T (p.Gln158Ter)

Gene: CREBBP (CREB binding protein; minus strand). Cytogenetic location: 16p13.3.
Variant type: single nucleotide variant.
Coding change: c.472C>T on transcript NM_004380.3 (MANE Select); coding-DNA position 472, C replaced by T.
Protein change: p.Gln158Ter; replaces glutamine 158 with a stop codon.
Molecular consequence: nonsense.
Genome position (GRCh38, 1-based): chr16:3,850,623, G>A on the plus strand (C>T on the coding strand, the complement: CREBBP is on the minus strand). VCF-style: chr16-3850623-G-A. GRCh37 (hg19) VCF-style: chr16-3900624-G-A.
Other names: c.472C>T, p.Gln158Ter (NM_001079846.1); short protein forms Q158*.
Identifiers: ClinVar variation 3340263 (VCV003340263.1).
Genomic context (GRCh38, chr16:3,850,623, plus strand): 5'-TCATGCAGATACCAGGTCCAGTCTGTGACGTGGCAGGGCTGCTAGTCGCCAGCCCCACTT[G>A]CTTTTGTGCTTGCGGATTCAGTGCTTGGGAGGCAGCGGGGGTGGGCCCAGAGGTGCTGGC-3'